The following is an entry in ClinVar:

ClinVar aggregate classification (germline): Conflicting classifications of pathogenicity. Review status: criteria provided, conflicting classifications (1 of 4 stars). 4 submissions from 4 submitters: Uncertain significance (1); Likely benign (3). Last evaluated 2025-03-17.

Conditions:
ABCA4-related disorder. Also called: ABCA4-related condition; ABCA4-related disorders. Identifiers: MedGen CN239167.

Allele frequency attached by ClinVar (database versions not stated): TOPMed 0.00006; ESP Exome Variant Server 0.00008; gnomAD exomes 0.00021; ExAC 0.00024.
gnomAD v4.1: 121 of 1,610,030 alleles (0.0075%); highest among the groups gnomAD compares: Non-Finnish European, 0.00093%; no homozygotes.

Submissions (4):

Labcorp Genetics (formerly Invitae), Labcorp
Classification: Likely benign. Last evaluated: 2025-03-17. Review status: criteria provided, single submitter. Criteria: Invitae Variant Classification Sherloc (09022015). Collection method: clinical testing. Allele origin: germline.

PreventionGenetics, part of Exact Sciences
Classification: Likely benign for ABCA4-related condition. Last evaluated: 2024-12-12. Review status: criteria provided, single submitter. Criteria: ACMG Guidelines, 2015. Collection method: clinical testing. Allele origin: germline.
Comment: This variant is classified as likely benign based on ACMG/AMP sequence variant interpretation guidelines (Richards et al. 2015 PMID: 25741868, with internal and published modifications).

Blueprint Genetics
Classification: Likely benign. Last evaluated: 2021-12-16. Review status: criteria provided, single submitter. Criteria: ACMG Guidelines, 2015. Collection method: clinical testing. Allele origin: germline.

Illumina Laboratory Services, Illumina
Classification: Uncertain significance for ABCA4-Related Disorders. Last evaluated: 2018-01-12. Review status: criteria provided, single submitter. Criteria: ICSL Variant Classification Criteria 13 December 2019. Collection method: clinical testing. Allele origin: germline.

NM_000350.3(ABCA4):c.3568G>A (p.Ala1190Thr)

Gene: ABCA4 (ATP binding cassette subfamily A member 4; minus strand). Cytogenetic location: 1p22.1.
Variant type: single nucleotide variant.
Coding change: c.3568G>A on transcript NM_000350.3 (MANE Select); coding-DNA position 3568, G replaced by A.
Protein change: p.Ala1190Thr; replaces alanine 1190 with threonine.
Molecular consequence: missense variant.
Genome position (GRCh38, 1-based): chr1:94,040,082, C>T on the plus strand (G>A on the coding strand, the complement: ABCA4 is on the minus strand). VCF-style: chr1-94040082-C-T. GRCh37 (hg19) VCF-style: chr1-94505638-C-T.
Other names: c.3346G>A, p.Ala1116Thr (NM_001425324.1); short protein forms A1190T, A1116T.
Identifiers: ClinVar variation 873898 (VCV000873898.16), dbSNP rs368692594, ClinGen allele CA957894.